The following is an entry in ClinVar:

ClinVar aggregate classification (germline): Uncertain significance (1 of 4 stars; one submission).

Submission:

Labcorp Genetics (formerly Invitae), Labcorp
Classification: Uncertain significance. Last evaluated: 2022-10-05. Review status: criteria provided, single submitter. Criteria: Invitae Variant Classification Sherloc (09022015). Collection method: clinical testing. Allele origin: germline.
Comment: In summary, the available evidence is currently insufficient to determine the role of this variant in disease. Therefore, it has been classified as a Variant of Uncertain Significance. This variant, c.2246_2260del, results in the deletion of 5 amino acid(s) of the UNC80 protein (p.Asp749_Gly753del), but otherwise preserves the integrity of the reading frame. The frequency data for this variant in the population databases is considered unreliable, as metrics indicate poor data quality at this position in the gnomAD database. This variant has not been reported in the literature in individuals affected with UNC80-related conditions. Experimental studies and prediction algorithms are not available or were not evaluated, and the functional significance of this variant is currently unknown.

NM_001371986.1(UNC80):c.2246_2260del (p.Asp749_Gly753del)

Gene: UNC80 (unc-80 subunit of NALCN channel complex; plus strand). Cytogenetic location: 2q34.
Variant type: Deletion.
Coding change: c.2246_2260del on transcript NM_001371986.1 (MANE Select); coding-DNA positions 2246 to 2260, 15 bases deleted (ATGGAGGAGGTGGAG).
Protein change: p.Asp749_Gly753del.
Molecular consequence: inframe deletion.
Genome position (GRCh38, 1-based): chr2:209,820,594-209,820,608, ATGGAGGAGGTGGAG deleted; deleting any 15 consecutive bases within chr2:209,820,581-209,820,608 gives the same sequence; the c. name uses the placement nearest the transcript's 3' end. VCF-style (leftmost placement, unchanged base first): chr2-209820580-AGGAGGAGGTGGAGAT-A. GRCh37 (hg19) VCF-style: chr2-210685304-AGGAGGAGGTGGAGAT-A.
Other names: c.2246_2260del, p.Asp749_Gly753del (NM_032504.2, NM_182587.4).
Identifiers: ClinVar variation 2086954 (VCV002086954.4), dbSNP rs1281996246, ClinGen allele CA539104208.